The following is an entry in ClinVar:

ClinVar aggregate classification (germline): Likely benign. Review status: criteria provided, single submitter (1 of 4 stars). 2 submissions from 2 submitters: Likely benign (1). 1 of the submissions does not count toward it. Last evaluated 2025-02-12.

Conditions:
P2RX2-related disorder. Also called: P2RX2-related condition.

Allele frequency attached by ClinVar (database versions not stated): TOPMed 0.00002; ExAC 0.00003; gnomAD 0.00001; ESP Exome Variant Server 0.00008.
gnomAD v4.1: 24 of 1,612,652 alleles (0.0015%); highest among the groups gnomAD compares: Non-Finnish European, 0.002%; no homozygotes.

Submissions (2):

Labcorp Genetics (formerly Invitae), Labcorp
Classification: Likely benign. Last evaluated: 2025-02-12. Review status: criteria provided, single submitter. Criteria: Invitae Variant Classification Sherloc (09022015). Collection method: clinical testing. Allele origin: germline.

PreventionGenetics, part of Exact Sciences
Classification: Likely benign for P2RX2-related condition. Last evaluated: 2019-07-31. Review status: no assertion criteria provided. Collection method: clinical testing. Allele origin: germline. Not counted in ClinVar's aggregate classification.
Comment: This variant is classified as likely benign based on ACMG/AMP sequence variant interpretation guidelines (Richards et al. 2015 PMID: 25741868, with internal and published modifications).

NM_170682.4(P2RX2):c.222C>T (p.Pro74=)

Gene: P2RX2 (purinergic receptor P2X 2; plus strand). Cytogenetic location: 12q24.33.
Variant type: single nucleotide variant.
Coding change: c.222C>T on transcript NM_170682.4 (MANE Select); coding-DNA position 222, C replaced by T.
Protein change: p.Pro74=; no amino-acid change (proline 74 retained).
Molecular consequence: synonymous variant. On other transcripts: nonsense (1), intron variant (1).
Genome position (GRCh38, 1-based): chr12:132,619,487, C>T. VCF-style: chr12-132619487-C-T. GRCh37 (hg19) VCF-style: chr12-133196073-C-T.
Other names: c.222C>T, p.Pro74= (NM_001282164.2, NM_001282165.2, NM_016318.4 and 2 more transcripts); c.154C>T, p.Arg52Ter (NM_012226.5); c.106-357C>T (NM_174872.3); short protein forms R52*.
Identifiers: ClinVar variation 3035401 (VCV003035401.4), dbSNP rs199767345, ClinGen allele CA6891396.
Genomic context (GRCh38, chr12:132,619,487, plus strand): 5'-CCCTGCCCGCAGGTACGTATTCATCGTGCAGAAAAGCTACCAGGAGAGCGAGACGGGCCC[C>T]GAGAGCTCCATCATCACCAAGGTCAAGGGGATCACCACGTCCGAGCACAAAGTGTGGGAC-3'
Protein context (NP_733782.1, residues 64-84): QKSYQESETG[Pro74=]ESSIITKVKG